The following is an entry in ClinVar:

ClinVar aggregate classification (germline): Conflicting classifications of pathogenicity. Review status: criteria provided, conflicting classifications (1 of 4 stars). 8 submissions from 8 submitters: Uncertain significance (6); Benign (1); Likely benign (1). Last evaluated 2025-08-04.

Conditions:
Lymphangiomyomatosis (LAM). Also called: Lymphangioleiomyomatosis; Lymphangioleiomyomatosis, somatic. Identifiers: Orphanet 538, MedGen C0751674, MONDO:0011705, OMIM 606690.
Isolated focal cortical dysplasia type II (FCORD2). Also called: Focal cortical dysplasia type II; CORTICAL DYSPLASIA OF TAYLOR. Identifiers: Orphanet 268994, MedGen C1846385, MONDO:0011818, OMIM 607341, HP:0032051.
Tuberous sclerosis 2 (TSC2). Identifiers: Orphanet 805, MedGen C1860707, MONDO:0013199, OMIM 613254.
TSC2-related disorder. Also called: TSC2-Related Disorders; TSC2-related condition.
Hereditary cancer-predisposing syndrome. Also called: Hereditary Cancer Syndrome; Neoplastic Syndromes, Hereditary; Tumor predisposition; Hereditary neoplastic syndrome. Identifiers: Orphanet 140162, MedGen C0027672, MeSH D009386, MONDO:0015356.
Tuberous sclerosis syndrome (TSC). Also called: Tuberous Sclerosis Complex; Tuberous sclerosis. Identifiers: Orphanet 805, MedGen C0041341, MONDO:0001734.

Allele frequency attached by ClinVar (database versions not stated): gnomAD exomes below 0.00001; ExAC 0.00001; gnomAD 0.00001; TOPMed 0.00002.
gnomAD v4.1: 2 of 1,611,610 alleles (0.00012%); highest among the groups gnomAD compares: African/African-American, 0.0013%; no homozygotes.

Submissions (8):

Labcorp Genetics (formerly Invitae), Labcorp
Classification: Benign for Tuberous sclerosis 2. Last evaluated: 2025-08-04. Review status: criteria provided, single submitter. Criteria: Invitae Variant Classification Sherloc (09022015). Collection method: clinical testing. Allele origin: germline.

PreventionGenetics, part of Exact Sciences
Classification: Uncertain significance for TSC2-related condition. Last evaluated: 2024-11-22. Review status: criteria provided, single submitter. Criteria: ACMG Guidelines, 2015. Collection method: clinical testing. Allele origin: germline.
Comment: The TSC2 c.2372G>T variant is predicted to result in the amino acid substitution p.Cys791Phe. To our knowledge, this variant has not been reported in the literature. This variant is reported in 0.0062% of alleles in individuals of African descent in gnomAD. This variant has conflicting interpretations in the ClinVar database, ranging from benign to uncertain. At this time, the clinical significance of this variant is uncertain due to the absence of conclusive functional and genetic evidence.

Ambry Genetics
Classification: Uncertain significance for Hereditary cancer-predisposing syndrome. Last evaluated: 2024-02-28. Review status: criteria provided, single submitter. Criteria: Ambry Variant Classification Scheme 2023. Collection method: clinical testing. Allele origin: germline.
Comment: The p.C791F variant (also known as c.2372G>T), located in coding exon 21 of the TSC2 gene, results from a G to T substitution at nucleotide position 2372. The cysteine at codon 791 is replaced by phenylalanine, an amino acid with highly dissimilar properties. This amino acid position is highly conserved in available vertebrate species. In addition, this alteration is predicted to be deleterious by in silico analysis. Since supporting evidence is limited at this time, the clinical significance of this alteration remains unclear.

Fulgent Genetics
Classification: Uncertain significance for Lymphangiomyomatosis; Isolated focal cortical dysplasia type II; Tuberous sclerosis 2. Last evaluated: 2024-02-15. Review status: criteria provided, single submitter. Criteria: ACMG Guidelines, 2015. Collection method: clinical testing. Allele origin: germline.

All of Us Research Program, National Institutes of Health
Classification: Uncertain significance for Tuberous sclerosis syndrome. Last evaluated: 2023-08-08. Review status: criteria provided, single submitter. Criteria: ACMG Guidelines, 2015. Collection method: clinical testing. Allele origin: germline. Inheritance: Autosomal dominant inheritance. Observed: 1 variant allele, 1 heterozygote.
Comment: This missense variant replaces cysteine with phenylalanine at codon 791 of the TSC2 protein. Computational prediction suggests that this variant may have deleterious impact on protein structure and function (internally defined REVEL score threshold >= 0.7, PMID: 27666373). To our knowledge, functional studies have not been reported for this variant. This variant has not been reported in individuals affected with tuberous sclerosis complex in the literature. This variant has been identified in 1/249336 chromosomes in the general population by the Genome Aggregation Database (gnomAD). The available evidence is insufficient to determine the role of this variant in disease conclusively. Therefore, this variant is classified as a Variant of Uncertain Significance.

This study involves interpretation of variants in research participants for the purpose of population health screening. Participant phenotype was not available at the time of variant classification. Additional details can be found in publication PMID: 35346344, PMCID: PMC8962531

Baylor Genetics
Classification: Likely benign for Isolated focal cortical dysplasia type II. Last evaluated: 2022-05-30. Review status: criteria provided, single submitter. Criteria: ACMG Guidelines, 2015. Collection method: clinical testing. Allele origin: unknown.

Genome-Nilou Lab
Classification: Uncertain significance for Tuberous sclerosis 2. Last evaluated: 2021-11-07. Review status: criteria provided, single submitter. Criteria: ACMG Guidelines, 2015. Collection method: clinical testing. Allele origin: germline. Affected: no.

Illumina Laboratory Services, Illumina
Classification: Uncertain significance for Tuberous sclerosis syndrome. Last evaluated: 2018-01-12. Review status: criteria provided, single submitter. Criteria: ICSL Variant Classification Criteria 13 December 2019. Collection method: clinical testing. Allele origin: germline.

NM_000548.5(TSC2):c.2372G>T (p.Cys791Phe)

Gene: TSC2 (TSC complex subunit 2; plus strand). Cytogenetic location: 16p13.3.
Variant type: single nucleotide variant.
Coding change: c.2372G>T on transcript NM_000548.5 (MANE Select); coding-DNA position 2372, G replaced by T.
Protein change: p.Cys791Phe; replaces cysteine 791 with phenylalanine.
Molecular consequence: missense variant.
Genome position (GRCh38, 1-based): chr16:2,074,216, G>T. VCF-style: chr16-2074216-G-T. GRCh37 (hg19) VCF-style: chr16-2124217-G-T.
Other names: c.2372G>T, p.Cys791Phe (NM_001077183.3, NM_001114382.3, NM_001363528.2 and 3 more transcripts); c.2261G>T, p.Cys754Phe (NM_001318827.2); c.2225G>T, p.Cys742Phe (NM_001318829.2); c.1772G>T, p.Cys591Phe (NM_001318831.2); c.2405G>T, p.Cys802Phe (NM_001318832.2); c.2372G>T (NM_000548.4); short protein forms C791F, C742F, C802F, C591F, C754F.
Identifiers: ClinVar variation 318322 (VCV000318322.24), dbSNP rs758961134, ClinGen allele CA038816.
Genomic context (GRCh38, chr16:2,074,216, plus strand): 5'-TCTGCTGCAAGCGGGTGGGGCCTGAGGTGTCCTGTCTCCTGCAGCGCGAGATGGTCTACT[G>T]CCTGGAGCAGGGCCTCATCCACCGCTGTGCCAGCCAGTGCGTCGTGGCCTTGTCCATCTG-3'
Protein context (NP_000539.2, residues 781-801): DKTKQREMVY[Cys791Phe]LEQGLIHRCA